The following is an entry in ClinVar:

NM_001127222.2(CACNA1A):c.6400C>T (p.Arg2134Cys)

Gene: CACNA1A (calcium voltage-gated channel subunit alpha1 A; minus strand). Cytogenetic location: 19p13.13.
Variant type: single nucleotide variant.
Coding change: c.6400C>T on transcript NM_001127222.2 (MANE Select); coding-DNA position 6400, C replaced by T.
Protein change: p.Arg2134Cys; replaces arginine 2134 with cysteine.
Molecular consequence: missense variant.
Genome position (GRCh38, 1-based): chr19:13,209,438, G>A on the plus strand (C>T on the coding strand, the complement: CACNA1A is on the minus strand). VCF-style: chr19-13209438-G-A. GRCh37 (hg19) VCF-style: chr19-13320252-G-A.
Other names: R2136C; c.6418C>T (NM_023035.2); c.6418C>T, p.Arg2140Cys (NM_000068.4, NM_023035.3); c.6403C>T, p.Arg2135Cys (NM_001127221.2); c.6409C>T, p.Arg2137Cys (NM_001174080.2); short protein forms R2135C, R2140C, R2134C, R2137C.
Identifiers: ClinVar variation 68440 (VCV000068440.95), dbSNP rs121908235, ClinGen allele CA266074.
Genomic context (GRCh38, chr19:13,209,438, plus strand): 5'-GCTGGTGGTGCCGCTGGTTCTCCTCGGGCGGGACCCGCTCCAGCGAGTAATCGTCCAGGC[G>A]TCGGGCCTTGGGGCCCAGCACGGAGGCTGAACGCTTCATGGGGCTGGTGTCTGAGATGGT-3'
Protein context (NP_001120694.1, residues 2124-2144): SASVLGPKAR[Arg2134Cys]LDDYSLERVP

ClinVar aggregate classification (germline): Conflicting classifications of pathogenicity. Review status: criteria provided, conflicting classifications (1 of 4 stars). 14 submissions from 14 submitters: Uncertain significance (7); Likely benign (4). 3 of the submissions do not count toward it. Last evaluated 2026-06-01.

Conditions:
Episodic ataxia type 2 (EA2). Also called: ATAXIA, EPISODIC, WITH NYSTAGMUS; ATAXIA, FAMILIAL PAROXYSMAL; CEREBELLAR ATAXIA, PAROXYSMAL, ACETAZOLAMIDE-RESPONSIVE; CEREBELLOPATHY, HEREDITARY PAROXYSMAL; EPISODIC ATAXIA, NYSTAGMUS-ASSOCIATED; ACETAZOLAMIDE-RESPONSIVE HEREDITARY PAROXYSMAL CEREBELLAR ATAXIA. Identifiers: Orphanet 97, MedGen C1720416, MONDO:0007163, OMIM 108500.
Developmental and epileptic encephalopathy, 42 (DEE42A). Also called: DEVELOPMENTAL AND EPILEPTIC ENCEPHALOPATHY 42A; EPILEPTIC ENCEPHALOPATHY, EARLY INFANTILE, 42A; Epileptic encephalopathy, early infantile, 42. Identifiers: MedGen C4310716, MONDO:0014917, OMIM 617106.
Cerebellar ataxia. Identifiers: Orphanet 102002, MedGen C0007758, MONDO:0000437.
Inborn genetic diseases. Identifiers: MedGen C0950123, MeSH D030342.
Spinocerebellar ataxia type 6 (SCA6). Identifiers: Orphanet 98758, MedGen C0752124, MONDO:0008457, OMIM 183086.
Tip-toe gait. Also called: Toe walking. Identifiers: MedGen C0427144, HP:0030051.

Allele frequency attached by ClinVar (database versions not stated): gnomAD exomes 0.00005 and 0.00012; gnomAD 0.00006 and 0.00007; TOPMed 0.00007; 1000 Genomes Project 30x 0.00031; ESP Exome Variant Server 0.00033; ExAC 0.00037; 1000 Genomes Project 0.00040.
gnomAD v4.1: 158 of 1,383,484 alleles (0.011%); highest among the groups gnomAD compares: Middle Eastern, 0.1%; 1 homozygote.

Submissions (14):

CeGaT Center for Human Genetics Tuebingen
Classification: Likely benign. Last evaluated: 2026-06-01. Review status: criteria provided, single submitter. Criteria: CeGaT Center For Human Genetics Tuebingen Variant Classification Criteria Version 2. Collection method: clinical testing. Allele origin: germline. Affected: yes. Observed: 4 variant alleles.
Comment: CACNA1A: PP3, BS2

Ambry Genetics
Classification: Likely benign for Inborn genetic diseases. Last evaluated: 2026-05-25. Review status: criteria provided, single submitter. Criteria: Ambry Variant Classification Scheme 2023. Collection method: clinical testing. Allele origin: germline.

Labcorp Genetics (formerly Invitae), Labcorp
Classification: Likely benign for Developmental and epileptic encephalopathy, 42; Episodic ataxia type 2. Last evaluated: 2025-12-21. Review status: criteria provided, single submitter. Criteria: Invitae Variant Classification Sherloc (09022015). Collection method: clinical testing. Allele origin: germline.

GeneDx
Classification: Uncertain significance. Last evaluated: 2025-11-11. Review status: criteria provided, single submitter. Criteria: GeneDx Variant Classification Process June 2021. Collection method: clinical testing. Allele origin: germline. Affected: yes.
Comment: Reported in an individual with episodic ataxia and an individual with small vessel disease-related stroke; also reported in an individual with cognitive impairment, behavior disorder, hypophonia and dysarthria (PMID: 31719132, 15173248, 27400454); In silico analysis supports that this missense variant has a deleterious effect on protein structure/function; This variant is associated with the following publications: (PMID: 15173248, 34426522, 31719132, 35401678, 28252636, 27400454, 37091313, 38374194)

Blueprint Genetics
Classification: Likely benign. Last evaluated: 2024-07-23. Review status: criteria provided, single submitter. Criteria: ACMG Guidelines, 2015. Collection method: clinical testing. Allele origin: germline.

Women's Health and Genetics/Laboratory Corporation of America, LabCorp
Classification: Uncertain significance. Last evaluated: 2023-02-07. Review status: criteria provided, single submitter. Criteria: LabCorp Variant Classification Summary - May 2015. Collection method: clinical testing. Allele origin: germline.
Comment: Variant summary: CACNA1A c.6403C>T (p.Arg2135Cys) results in a non-conservative amino acid change located in the C-terminal tail, upstream of the polyglutamine repeat (Mantuano_2004). The CACNA1A gene has a bicistronic mRNA, with the first cistron encoding the voltage-gated calcium channel subunit alpha1A and the second cistron expressing the C-terminal fragment of the alpha1A subunit (alpha1ACT), which is a transcription factor (that also contains the polyglutamine tract), and coordinates the expression of genes involved in neural and Purkinje cell development (PMID: 23827678); our variant of interest affects both of these encoded proteins. Three of five in-silico tools predict a damaging effect of the variant on protein function. The variant allele was found at a frequency of 7.3e-05 (i.e. in 11 carriers) in 150946 control chromosomes (gnomAD v3.1, genomes dataset). The variant, c.6403C>T, has also been reported in the literature in heterozygous individuals affected with Episodic ataxia type 2 (Mantuano_2004), Huntington disease-like phenotype (Mariani_2016), small vessel disease-related lacunar stroke (Tan_2019), and spinocerebellar ataxia (Ghorbani_2022). In addition, the variant was also reported in an exome study in a child with developmental delay and spastic diplegia, however the variant was inherited from an asymptomatic father (Baldridge_2017). These reports do not provide unequivocal conclusions about association of the variant with Episodic ataxia. To our knowledge, no experimental evidence demonstrating an impact on protein function has been reported. Nine other clinical diagnostic laboratories have submitted clinical-significance assessments for this variant to ClinVar after 2014, partly without evidence for independent evaluation, and all of them classified the variant as uncertain significance. Based on the evidence outlined above, the variant was classified as uncertain significance.

Revvity Omics, Revvity
Classification: Uncertain significance. Last evaluated: 2021-12-21. Review status: criteria provided, single submitter. Criteria: ACMG Guidelines, 2015. Collection method: clinical testing. Allele origin: germline.

New York Genome Center
Classification: Uncertain significance for Episodic ataxia type 2. Last evaluated: 2020-04-18. Review status: criteria provided, single submitter. Criteria: NYGC Assertion Criteria 2020. Collection method: clinical testing. Allele origin: inherited. Observed: 1 heterozygote. Study: CSER-NYCKidSeq.
Comment: The heterozygous p.Arg2135Cys (also known as p.Arg2136Cys) missense variant identified in CACNA1A has been reported in a patient with episodic ataxia type 2 [PMID: 15173248], and in another individual with developmental delay and spastic diplegia who inherited the variant from asymptomatic father [PMID: 28252636]. The variant has 0.00005107 allele frequency in the gnomAD database (5 out of 97,896 heterozygous alleles) indicating it is a rare allele in the general population. The affected reside is moderately conserved and in silico tools provide conflicting interpretations about pathogenicity of this variant. Functional studies to evaluate the potential pathogenicy of this variant have not been performed to the best of our knowledge. Based on the available evidence, the p.Arg2135Cys variant in the CACNA1A gene is classified as a variant of uncertain significance.

Mayo Clinic Laboratories, Mayo Clinic
Classification: Uncertain significance. Last evaluated: 2020-02-14. Review status: criteria provided, single submitter. Criteria: ACMG Guidelines, 2015. Collection method: clinical testing. Allele origin: germline. Observed: 3 variant alleles.

Kariminejad - Najmabadi Pathology & Genetics Center
Classification: Uncertain significance for Ataxia. Last evaluated: 2018-11-22. Review status: criteria provided, single submitter. Criteria: ACMG Guidelines, 2015. Collection method: clinical testing. Allele origin: germline. Affected: yes.

Athena Diagnostics
Classification: Uncertain significance. Last evaluated: 2018-11-07. Review status: criteria provided, single submitter. Criteria: Athena Diagnostics Criteria. Collection method: clinical testing. Allele origin: germline.

Practice for Gait Abnormalities, David Pomarino, Competency Network Toe Walking C/o Practice Pomarino
Classification: Likely pathogenic for Tip-toe gait. Last evaluated: 2022-01-11. Review status: no assertion criteria provided. Collection method: clinical testing. Allele origin: germline. Affected: yes. Not counted in ClinVar's aggregate classification.
Comment: Hereditary motor sensory neuropathy (HMSN), also known as Charcot-Marie-Tooth Disease (CMT), is the most commonly inherited peripheral polyneuropathy. It constitutes a group of inherited, progressive, motor and sensory peripheral nerve disorders with properties of demyelination, axonal degeneration, or both. It is classified by clinical characteristics, modes of inheritance, electrophysiologic features, metabolic defects, and specific gene markers. Our patients all walk on tiptoe, so they show similar symptoms. When we genetically test them with our toe walking panel, we find that around 90 per cent of them have a genetic variant that explains their toe walking. These can be assigned, for example, to the area of myopathies (such as variants of the COL6A3 gene), the area of hereditary neuropathies (such as variants of the KMT2C gene) or the area of metabolic diseases (such as variants of the PYGM gene). In a smaller group of patients with almost identical symptoms, no abnormality is found in the genes of our panel, but spastic paraplegia can be detected. In another small group of our toe walkers, no abnormalities can be detected in the genes analysed in our toe walking panel, nor do they suffer from spastic paraplegia, as is also the case with healthy children. In contrast to these, however, they show a tiptoe gait. These patients suffer from infantile cerebral palsy, in which toe walking can also be observed.

O&I group, Department of Genetics, University Medical Center of Groningen
Classification: Uncertain significance for Spinocerebellar ataxia type 6. Last evaluated: 2021-07-22. Review status: no assertion criteria provided. Collection method: research. Allele origin: unknown. Not counted in ClinVar's aggregate classification.

UniProtKB/Swiss-Prot
No classification provided. Condition: Episodic ataxia type 2. Review status: no classification provided. Collection method: not provided. Allele origin: not provided. Not counted in ClinVar's aggregate classification.
Comment: R2136C in PubMed 15173248

Literature cited by the submitters: PubMed 15173248 (cited by Women's Health and Genetics/Laboratory Corporation of America, LabCorp and Athena Diagnostics); PubMed 27400454 (cited by Women's Health and Genetics/Laboratory Corporation of America, LabCorp and Athena Diagnostics); PubMed 31719132 (cited by Women's Health and Genetics/Laboratory Corporation of America, LabCorp); PubMed 28252636 (cited by Women's Health and Genetics/Laboratory Corporation of America, LabCorp); PubMed 35401678 (cited by Women's Health and Genetics/Laboratory Corporation of America, LabCorp); PubMed 37091313 (cited by Practice for Gait Abnormalities, David Pomarino, Competency Network Toe Walking C/o Practice Pomarino); DOI 10.3389/fgene.2022.782685 (cited by O&I group, Department of Genetics, University Medical Center of Groningen).